The following is an entry in ClinVar:

NM_002878.4(RAD51D):c.6C>T (p.Gly2=)

Genes: RAD51D (RAD51 paralog D; minus strand), RAD51L3-RFFL (RAD51L3-RFFL readthrough; minus strand). Cytogenetic location: 17q12.
Variant type: single nucleotide variant.
Coding change: c.6C>T on transcript NM_002878.4 (MANE Select); coding-DNA position 6, C replaced by T.
Protein change: p.Gly2=; no amino-acid change (glycine 2 retained).
Molecular consequence: synonymous variant. On other transcripts: non-coding transcript variant (2).
Genome position (GRCh38, 1-based): chr17:35,119,608, G>A on the plus strand (C>T on the coding strand, the complement: RAD51D is on the minus strand). VCF-style: chr17-35119608-G-A. GRCh37 (hg19) VCF-style: chr17-33446627-G-A.
Other names: c.6C>T, p.Gly2= (NM_001142571.2, NM_133629.3).
Identifiers: ClinVar variation 512994 (VCV000512994.13), dbSNP rs1255954226, ClinGen allele CA499732560.

ClinVar aggregate classification (germline): Benign/Likely benign. Review status: criteria provided, multiple submitters, no conflicts (2 of 4 stars). 6 submissions from 6 submitters: Benign (1); Likely benign (5). Last evaluated 2026-10-01.

Conditions:
Hereditary cancer-predisposing syndrome. Also called: Hereditary Cancer Syndrome; Neoplastic Syndromes, Hereditary; Hereditary neoplastic syndrome; Tumor predisposition. Identifiers: Orphanet 140162, MedGen C0027672, MeSH D009386, MONDO:0015356.
Breast-ovarian cancer, familial, susceptibility to, 4. Identifiers: Orphanet 145, MedGen C3280345, MONDO:0013669, OMIM 614291.

Allele frequency attached by ClinVar (database versions not stated): gnomAD exomes below 0.00001.
gnomAD v4.1: 1 of 1,611,264 alleles (0.000062%); highest among the groups gnomAD compares: Non-Finnish European, 0.000085%; no homozygotes.

Submissions (6):

CeGaT Center for Human Genetics Tuebingen
Classification: Likely benign. Last evaluated: 2026-10-01. Review status: criteria provided, single submitter. Criteria: CeGaT Center For Human Genetics Tuebingen Variant Classification Criteria Version 2. Collection method: clinical testing. Allele origin: germline. Affected: yes. Observed: 1 variant allele.
Comment: RAD51D: BP4, BP7

Labcorp Genetics (formerly Invitae), Labcorp
Classification: Likely benign for Breast-ovarian cancer, familial, susceptibility to, 4. Last evaluated: 2025-12-16. Review status: criteria provided, single submitter. Criteria: Invitae Variant Classification Sherloc (09022015). Collection method: clinical testing. Allele origin: germline.

Myriad Genetics, Inc.
Classification: Benign for Breast-ovarian cancer, familial, susceptibility to, 4. Last evaluated: 2025-02-19. Review status: criteria provided, single submitter. Criteria: Myriad Autosomal Dominant, Autosomal Recessive and X-Linked Classification Criteria (2023). Collection method: clinical testing. Allele origin: unknown.
Comment: This variant is considered benign. This variant is a silent/synonymous amino acid change and it is not expected to impact splicing.

Ambry Genetics
Classification: Likely benign for Hereditary cancer-predisposing syndrome. Last evaluated: 2020-01-24. Review status: criteria provided, single submitter. Criteria: Ambry Variant Classification Scheme 2023. Collection method: clinical testing. Allele origin: germline.

GeneDx
Classification: Likely benign. Last evaluated: 2017-10-25. Review status: criteria provided, single submitter. Criteria: GeneDx Variant Classification (06012015). Collection method: clinical testing. Allele origin: germline. Affected: yes.
Comment: This variant is considered likely benign or benign based on one or more of the following criteria: it is a conservative change, it occurs at a poorly conserved position in the protein, it is predicted to be benign by multiple in silico algorithms, and/or has population frequency not consistent with disease.

Color Diagnostics, LLC DBA Color Health
Classification: Likely benign for Hereditary cancer-predisposing syndrome. Last evaluated: 2017-01-19. Review status: criteria provided, single submitter. Criteria: ACMG Guidelines, 2015. Collection method: clinical testing. Allele origin: germline.